The following is an entry in ClinVar:

NM_004208.4(AIFM1):c.700G>C (p.Val234Leu)

Genes: AIFM1 (apoptosis inducing factor mitochondria associated 1; minus strand), RAB33A (RAB33A, member RAS oncogene family; plus strand). Cytogenetic location: Xq26.1.
Variant type: single nucleotide variant.
Coding change: c.700G>C on transcript NM_004208.4 (MANE Select); coding-DNA position 700, G replaced by C.
Protein change: p.Val234Leu; replaces valine 234 with leucine.
Molecular consequence: missense variant. On other transcripts: non-coding transcript variant (1).
Genome position (GRCh38, 1-based): chrX:130,140,614, C>G on the plus strand (G>C on the coding strand, the complement: AIFM1 is on the minus strand). VCF-style: chrX-130140614-C-G. GRCh37 (hg19) VCF-style: chrX-129274589-C-G.
Other names: c.700G>C, p.Val234Leu (NM_001130847.4); c.688G>C, p.Val230Leu (NM_145812.3); short protein forms V230L, V234L.
Identifiers: ClinVar variation 2941935 (VCV002941935.3), dbSNP rs1419736568, ClinGen allele CA414583594.
Genomic context (GRCh38, chrX:130,140,614, plus strand): 5'-CATAGGTTATTTGAGAGCCATCATTAAGTTTCACCATGTTGTCTCTCACATCCAGCTGTA[C>G]TACCTGGTACAGTCACACACATACACAAAAGAGGTAGAGATGAATTAGCATTGAAAAAGT-3'
Protein context (NP_004199.1, residues 224-244): GVAVLTGKKV[Val234Leu]QLDVRDNMVK

ClinVar aggregate classification (germline): Uncertain significance (1 of 4 stars; one submission).

Conditions:
Combined oxidative phosphorylation deficiency. Identifiers: MedGen C4540031, MONDO:0000732.
Charcot-Marie-Tooth Neuropathy X. Identifiers: MedGen CN118851.

Submission:

Labcorp Genetics (formerly Invitae), Labcorp
Classification: Uncertain significance for Charcot-Marie-Tooth Neuropathy X; Combined oxidative phosphorylation deficiency. Last evaluated: 2022-11-30. Review status: criteria provided, single submitter. Criteria: Invitae Variant Classification Sherloc (09022015). Collection method: clinical testing. Allele origin: germline.
Comment: This sequence change replaces valine, which is neutral and non-polar, with leucine, which is neutral and non-polar, at codon 234 of the AIFM1 protein (p.Val234Leu). In summary, the available evidence is currently insufficient to determine the role of this variant in disease. Therefore, it has been classified as a Variant of Uncertain Significance. Algorithms developed to predict the effect of missense changes on protein structure and function (SIFT, PolyPhen-2, Align-GVGD) all suggest that this variant is likely to be tolerated. This variant has not been reported in the literature in individuals affected with AIFM1-related conditions. This variant is not present in population databases (gnomAD no frequency).